The following is an entry in ClinVar:

ClinVar aggregate classification (germline): Conflicting classifications of pathogenicity. Review status: criteria provided, conflicting classifications (1 of 4 stars). 4 submissions from 4 submitters: Uncertain significance (2); Likely benign (2). Last evaluated 2025-11-01.

Conditions:
RYR1-related disorder. Also called: RYR1-related disorders; RYR1-related condition. Identifiers: MedGen CN239331.
Malignant hyperthermia, susceptibility to, 1 (MHS1). Also called: Anesthesia related hyperthermia; Malignant hyperpyrexia; Fulminating hyperpyrexia; Pharmacogenic myopathy; RYR1-Related Malignant Hyperthermia Susceptibility; Malignant hyperthermia suceptibility 1. Identifiers: Orphanet 423, MedGen C2930980, MONDO:0007783, OMIM 145600.

Allele frequency attached by ClinVar (database versions not stated): gnomAD 0.00001; gnomAD exomes 0.00001; ExAC 0.00002.
gnomAD v4.1: 19 of 1,614,100 alleles (0.0012%); highest among the groups gnomAD compares: South Asian, 0.0066%; no homozygotes.

Submissions (4):

Labcorp Genetics (formerly Invitae), Labcorp
Classification: Likely benign for RYR1-related disorder. Last evaluated: 2025-11-01. Review status: criteria provided, single submitter. Criteria: Invitae Variant Classification Sherloc (09022015). Collection method: clinical testing. Allele origin: germline.

CeGaT Center for Human Genetics Tuebingen
Classification: Likely benign. Last evaluated: 2025-05-01. Review status: criteria provided, single submitter. Criteria: CeGaT Center For Human Genetics Tuebingen Variant Classification Criteria Version 2. Collection method: clinical testing. Allele origin: germline. Affected: yes. Observed: 1 variant allele.
Comment: RYR1: BP4, BP7

All of Us Research Program, National Institutes of Health
Classification: Uncertain significance for Malignant hyperthermia, susceptibility to, 1. Last evaluated: 2024-05-30. Review status: criteria provided, single submitter. Criteria: ACMG Guidelines, 2015. Collection method: clinical testing. Allele origin: germline. Inheritance: Autosomal dominant inheritance. Observed: 4 variant alleles, 4 heterozygotes.
Comment: This variant is located in the RYR1 protein. To our knowledge, functional studies have not been reported for this variant. This variant has not been reported in individuals affected with RYR1-related disorders in the literature. This variant has been identified in 8/251462 chromosomes in the general population by the Genome Aggregation Database (gnomAD). The available evidence is insufficient to determine the role of this variant in disease conclusively. Therefore, this variant is classified as a Variant of Uncertain Significance.

This study involves interpretation of variants in research participants for the purpose of population health screening. Participant phenotype was not available at the time of variant classification. Additional details can be found in publication PMID: 35346344, PMCID: PMC8962531

Color Diagnostics, LLC DBA Color Health
Classification: Uncertain significance for Malignant hyperthermia, susceptibility to, 1. Last evaluated: 2024-05-07. Review status: criteria provided, single submitter. Criteria: ACMG Guidelines, 2015. Collection method: clinical testing. Allele origin: germline.
Comment: This variant is located in the RYR1 protein. To our knowledge, functional studies have not been reported for this variant. This variant has not been reported in individuals affected with RYR1-related disorders in the literature. This variant has been identified in 8/251462 chromosomes in the general population by the Genome Aggregation Database (gnomAD). The available evidence is insufficient to determine the role of this variant in disease conclusively. Therefore, this variant is classified as a Variant of Uncertain Significance.

NM_000540.3(RYR1):c.12117C>T (p.Ile4039=)

Gene: RYR1 (ryanodine receptor 1; plus strand). Cytogenetic location: 19q13.2.
Variant type: single nucleotide variant.
Coding change: c.12117C>T on transcript NM_000540.3 (MANE Select); coding-DNA position 12117, C replaced by T.
Protein change: p.Ile4039=; no amino-acid change (isoleucine 4039 retained).
Molecular consequence: synonymous variant.
Genome position (GRCh38, 1-based): chr19:38,548,255, C>T. VCF-style: chr19-38548255-C-T. GRCh37 (hg19) VCF-style: chr19-39038895-C-T.
Other names: c.12102C>T, p.Ile4034= (NM_001042723.2).
Identifiers: ClinVar variation 2199072 (VCV002199072.16), dbSNP rs767024764, ClinGen allele CA058302.